The following is an entry in ClinVar:

NM_002528.7(NTHL1):c.64C>T (p.Arg22Trp)

Gene: NTHL1 (nth like DNA glycosylase 1; minus strand). Cytogenetic location: 16p13.3.
Variant type: single nucleotide variant.
Coding change: c.64C>T on transcript NM_002528.7 (MANE Select); coding-DNA position 64, C replaced by T.
Protein change: p.Arg22Trp; replaces arginine 22 with tryptophan.
Molecular consequence: missense variant. On other transcripts: 5 prime UTR variant (1).
Genome position (GRCh38, 1-based): chr16:2,047,760, G>A on the plus strand (C>T on the coding strand, the complement: NTHL1 is on the minus strand). VCF-style: chr16-2047760-G-A. GRCh37 (hg19) VCF-style: chr16-2097761-G-A.
Other names: c.64C>T, p.Arg22Trp (NM_001318193.2); c.-115C>T (NM_001318194.2); short protein forms R22W.
Identifiers: ClinVar variation 858390 (VCV000858390.11), dbSNP rs2084521791, ClinGen allele CA394298430.

ClinVar aggregate classification (germline): Uncertain significance. Review status: criteria provided, multiple submitters, no conflicts (2 of 4 stars). 2 submissions from 2 submitters: Uncertain significance (2). Last evaluated 2025-07-30.

Conditions:
Hereditary cancer-predisposing syndrome. Also called: Tumor predisposition; Hereditary neoplastic syndrome; Neoplastic Syndromes, Hereditary; Hereditary Cancer Syndrome. Identifiers: Orphanet 140162, MedGen C0027672, MeSH D009386, MONDO:0015356.

Allele frequency attached by ClinVar (database versions not stated): TOPMed below 0.00001.

Submissions (2):

Labcorp Genetics (formerly Invitae), Labcorp
Classification: Uncertain significance. Last evaluated: 2025-07-30. Review status: criteria provided, single submitter. Criteria: Invitae Variant Classification Sherloc (09022015). Collection method: clinical testing. Allele origin: germline.
Comment: This sequence change replaces arginine, which is basic and polar, with tryptophan, which is neutral and slightly polar, at codon 30 of the NTHL1 protein (p.Arg30Trp). This variant is not present in population databases (gnomAD no frequency). This variant has not been reported in the literature in individuals affected with NTHL1-related conditions. ClinVar contains an entry for this variant (Variation ID: 858390). An algorithm developed to predict the effect of missense changes on protein structure and function outputs the following: PolyPhen-2: "Possibly Damaging". The tryptophan amino acid residue is found in multiple mammalian species, which suggests that this missense change does not adversely affect protein function. In summary, the available evidence is currently insufficient to determine the role of this variant in disease. Therefore, it has been classified as a Variant of Uncertain Significance.

Ambry Genetics
Classification: Uncertain significance for Hereditary cancer-predisposing syndrome. Last evaluated: 2024-04-22. Review status: criteria provided, single submitter. Criteria: Ambry Variant Classification Scheme 2023. Collection method: clinical testing. Allele origin: germline.
Comment: The p.R30W variant (also known as c.88C>T), located in coding exon 1 of the NTHL1 gene, results from a C to T substitution at nucleotide position 88. The arginine at codon 30 is replaced by tryptophan, an amino acid with dissimilar properties. This amino acid position is poorly conserved in available vertebrate species. In addition, this alteration is predicted to be tolerated by in silico analysis. Since supporting evidence is limited at this time, the clinical significance of this alteration remains unclear.